The following is an entry in ClinVar:

ClinVar aggregate classification (germline): Pathogenic (1 of 4 stars; one submission).

Conditions:
X-linked myopathy with postural muscle atrophy. Also called: FHL1-Related Emery-Dreifuss Muscular Dystrophy, X-Linked. Identifiers: Orphanet 178461, MedGen C2678055, MONDO:0010401, OMIM 300696.

Submission:

Labcorp Genetics (formerly Invitae), Labcorp
Classification: Pathogenic for X-linked myopathy with postural muscle atrophy. Last evaluated: 2023-03-03. Review status: criteria provided, single submitter. Criteria: Invitae Variant Classification Sherloc (09022015). Collection method: clinical testing. Allele origin: germline.
Comment: For these reasons, this variant has been classified as Pathogenic. This variant disrupts a region of the FHL1 protein in which other variant(s) (p.Cys276Tyr) have been determined to be pathogenic (PMID: 19716112). This suggests that this is a clinically significant region of the protein, and that variants that disrupt it are likely to be disease-causing. This variant has not been reported in the literature in individuals affected with FHL1-related conditions. This variant is not present in population databases (gnomAD no frequency). This sequence change results in a frameshift in the FHL1 gene (p.Asp275Lysfs*20). While this is not anticipated to result in nonsense mediated decay, it is expected to disrupt the last 6 amino acid(s) of the FHL1 protein and extend the protein by 13 additional amino acid residues.

Literature cited by the submitters: PubMed 19716112.

NM_001159699.2(FHL1):c.857_870dup (p.Asp291fs)

Gene: FHL1 (four and a half LIM domains 1; plus strand). Cytogenetic location: Xq26.3.
Variant type: Duplication.
Coding change: c.857_870dup on transcript NM_001159699.2 (MANE Select); coding-DNA positions 857 to 870, 14 bases duplicated (AAGTGTATTGTCCC).
Protein change: p.Asp291fs; shifts the reading frame from aspartic acid 291.
Molecular consequence: frameshift variant. On other transcripts: 3 prime UTR variant (6), non-coding transcript variant (1).
Genome position (GRCh38, 1-based): chrX:136,209,991-136,210,004, AAGTGTATTGTCCC duplicated; duplicating any 14 consecutive bases within chrX:136,209,990-136,210,004 gives the same sequence; the c. name uses the placement nearest the transcript's 3' end. VCF-style (leftmost placement, unchanged base first): chrX-136209989-G-GCAAGTGTATTGTCC. GRCh37 (hg19) VCF-style: chrX-135292148-G-GCAAGTGTATTGTCC.
Other names: c.809_822dup, p.Asp275fs (NM_001159700.2, NM_001159704.1, NM_001167819.1 and 4 more transcripts); c.896_909dup, p.Asp304fs (NM_001159701.2); c.*37_*50dup (NM_001159702.3, NM_001159703.2, NM_001330659.2 and 3 more transcripts); short protein forms D304fs, D291fs, D275fs.
Identifiers: ClinVar variation 2842663 (VCV002842663.3), dbSNP rs2521337625, ClinGen allele CA2739273775.
Genomic context (GRCh38, chrX:136,209,989, plus strand): 5'-CTTCCACTGCAAAAAATGCTCCGTGAATCTGGCCAACAAGCGCTTTGTTTTCCACCAGGA[G>GCAAGTGTATTGTCC]CAAGTGTATTGTCCCGACTGTGCCAAAAAGCTGTAAACTGACAGGGGCTCCTGTCCTGTA-3'